The following is an entry in ClinVar:

NM_000395.3(CSF2RB):c.418C>A (p.Gln140Lys)

Gene: CSF2RB (colony stimulating factor 2 receptor subunit beta; plus strand). Cytogenetic location: 22q12.3.
Variant type: single nucleotide variant.
Coding change: c.418C>A on transcript NM_000395.3 (MANE Select); coding-DNA position 418, C replaced by A.
Protein change: p.Gln140Lys; replaces glutamine 140 with lysine.
Molecular consequence: missense variant.
Genome position (GRCh38, 1-based): chr22:36,929,428, C>A. VCF-style: chr22-36929428-C-A. GRCh37 (hg19) VCF-style: chr22-37325470-C-A.
Other names: c.418C>A, p.Gln140Lys (NM_001410827.1); c.418C>A (NM_000395.2); short protein forms Q140K.
Identifiers: ClinVar variation 2959439 (VCV002959439.4), dbSNP rs746797033, ClinGen allele CA10213481.
Genomic context (GRCh38, chr22:36,929,428, plus strand): 5'-AGCCCTTAGGTGCCCTTCACTTCCTCCCCTCCAGTCCAGCCTCCTGAGCCCAGGGACCTG[C>A]AGATCAGCACCGACCAGGACCACTTCCTGCTGACCTGGAGTGTGGCCCTTGGGAGTCCCC-3'
Protein context (NP_000386.1, residues 130-150): HVQPPEPRDL[Gln140Lys]ISTDQDHFLL

ClinVar aggregate classification (germline): Uncertain significance. Review status: criteria provided, multiple submitters, no conflicts (2 of 4 stars). 2 submissions from 2 submitters: Uncertain significance (2). Last evaluated 2024-01-30.

Conditions:
Inborn genetic diseases. Identifiers: MedGen C0950123, MeSH D030342.

Allele frequency attached by ClinVar (database versions not stated): gnomAD exomes below 0.00001; ExAC 0.00001; gnomAD 0.00001; TOPMed 0.00002.
gnomAD v4.1: 6 of 1,614,222 alleles (0.00037%); highest among the groups gnomAD compares: Middle Eastern, 0.049%; no homozygotes.

Submissions (2):

Ambry Genetics
Classification: Uncertain significance for Inborn genetic diseases. Last evaluated: 2024-01-30. Review status: criteria provided, single submitter. Criteria: Ambry Variant Classification Scheme 2023. Collection method: clinical testing. Allele origin: germline.

Labcorp Genetics (formerly Invitae), Labcorp
Classification: Uncertain significance. Last evaluated: 2023-01-10. Review status: criteria provided, single submitter. Criteria: Invitae Variant Classification Sherloc (09022015). Collection method: clinical testing. Allele origin: germline.
Comment: Advanced modeling of protein sequence and biophysical properties (such as structural, functional, and spatial information, amino acid conservation, physicochemical variation, residue mobility, and thermodynamic stability) performed at Invitae indicates that this missense variant is not expected to disrupt CSF2RB protein function. This variant has not been reported in the literature in individuals affected with CSF2RB-related conditions. This variant is present in population databases (rs746797033, gnomAD 0.003%). This sequence change replaces glutamine, which is neutral and polar, with lysine, which is basic and polar, at codon 140 of the CSF2RB protein (p.Gln140Lys). In summary, the available evidence is currently insufficient to determine the role of this variant in disease. Therefore, it has been classified as a Variant of Uncertain Significance.